The following is an entry in ClinVar:

ClinVar aggregate classification (germline): Likely pathogenic (1 of 4 stars; one submission).

Allele frequency attached by ClinVar (database versions not stated): TOPMed 0.00001.

Submission:

Labcorp Genetics (formerly Invitae), Labcorp
Classification: Likely pathogenic. Last evaluated: 2021-10-14. Review status: criteria provided, single submitter. Criteria: Invitae Variant Classification Sherloc (09022015). Collection method: clinical testing. Allele origin: germline.
Comment: This sequence change replaces glycine with alanine at codon 156 of the AGXT protein (p.Gly156Ala). The glycine residue is highly conserved and there is a small physicochemical difference between glycine and alanine. This variant is not present in population databases (ExAC no frequency). This variant has not been reported in the literature in individuals affected with AGXT-related conditions. Advanced modeling of protein sequence and biophysical properties (such as structural, functional, and spatial information, amino acid conservation, physicochemical variation, residue mobility, and thermodynamic stability) performed at Invitae indicates that this missense variant is expected to disrupt AGXT protein function. This variant disrupts the p.Gly156 amino acid residue in AGXT. Other variant(s) that disrupt this residue have been determined to be pathogenic (PMID: 17460142, 23810941, 27935012). This suggests that this residue is clinically significant, and that variants that disrupt this residue are likely to be disease-causing. In summary, the currently available evidence indicates that the variant is pathogenic, but additional data are needed to prove that conclusively. Therefore, this variant has been classified as Likely Pathogenic.

Literature cited by the submitters: PubMed 17460142; PubMed 23810941; PubMed 27935012.

NM_000030.3(AGXT):c.467G>C (p.Gly156Ala)

Gene: AGXT (alanine--glyoxylate aminotransferase; plus strand). Cytogenetic location: 2q37.3.
Variant type: single nucleotide variant.
Coding change: c.467G>C on transcript NM_000030.3 (MANE Select); coding-DNA position 467, G replaced by C.
Protein change: p.Gly156Ala; replaces glycine 156 with alanine.
Molecular consequence: missense variant.
Genome position (GRCh38, 1-based): chr2:240,871,392, G>C. VCF-style: chr2-240871392-G-C. GRCh37 (hg19) VCF-style: chr2-241810809-G-C.
Other names: short protein forms G156A.
Identifiers: ClinVar variation 1467244 (VCV001467244.5), dbSNP rs2058989559, ClinGen allele CA351315909.